The following is an entry in ClinVar:

ClinVar aggregate classification (germline): Likely pathogenic (0 of 4 stars; one submission).

Conditions:
Facioscapulohumeral muscular dystrophy 2 (FSHD2). Also called: MUSCULAR DYSTROPHY, FACIOSCAPULOHUMERAL, TYPE 1B; FACIOSCAPULOHUMERAL MUSCULAR DYSTROPHY 2, DIGENIC; FSHD2, DIGENIC. Identifiers: Orphanet 269, MedGen C1834671, MONDO:0008031, OMIM 158901.

Submission:

Solve-RD Consortium
Classification: Likely pathogenic for Facioscapulohumeral muscular dystrophy 2. Last evaluated: 2024-06-01. Review status: no assertion criteria provided. Collection method: provider interpretation. Allele origin: germline. Affected: yes.
Comment: This CNV was confirmed by the submitting clinician to impact a gene that corresponds with the phenotype of the affected individual, and thus deemed to be causative for their condition.

Literature cited by the submitters: PubMed 39825153.

GRCh37/hg19 18p11.32(chr18:2795896-2802599)x1

Gene: SMCHD1 (structural maintenance of chromosomes flexible hinge domain containing 1; plus strand). Cytogenetic location: 18p11.32.
Variant type: copy number loss.
Change: copy number 1 (one copy instead of two) of chr18:2,795,896-2,802,599 (6.7 kb, GRCh37 coordinates, 1-based), cytogenetic band 18p11.32.
Identifiers: ClinVar variation 3338436 (VCV003338436.1).